The following is an entry in ClinVar:

NM_016239.4(MYO15A):c.1414T>A (p.Ser472Thr)

Gene: MYO15A (myosin XVA; plus strand). Cytogenetic location: 17p11.2.
Variant type: single nucleotide variant.
Coding change: c.1414T>A on transcript NM_016239.4 (MANE Select); coding-DNA position 1414, T replaced by A.
Protein change: p.Ser472Thr; replaces serine 472 with threonine.
Molecular consequence: missense variant.
Genome position (GRCh38, 1-based): chr17:18,120,214, T>A. VCF-style: chr17-18120214-T-A. GRCh37 (hg19) VCF-style: chr17-18023528-T-A.
Other names: short protein forms S472T.
Identifiers: ClinVar variation 282131 (VCV000282131.11), dbSNP rs886042317, ClinGen allele CA10604075.
Genomic context (GRCh38, chr17:18,120,214, plus strand): 5'-CTGCCCAGCGCCGCCTTCTTCGAGCAGCAAGGCATGGATAAGCCCGCCAGGTCCAAGCTG[T>A]CCCTCATCCGCAAGTTCCGCCTCTTCCCGCGACCCCAGGTGAAGCTGTTTGGGAAGGAGA-3'
Protein context (NP_057323.3, residues 462-482): GMDKPARSKL[Ser472Thr]LIRKFRLFPR

ClinVar aggregate classification (germline): Uncertain significance. Review status: criteria provided, multiple submitters, no conflicts (2 of 4 stars). 4 submissions from 4 submitters: Uncertain significance (4). Last evaluated 2022-06-07.

Allele frequency attached by ClinVar (database versions not stated): gnomAD exomes below 0.00001 and 0.00002; TOPMed 0.00001.
gnomAD v4.1: 6 of 1,612,828 alleles (0.00037%); highest among the groups gnomAD compares: Admixed American, 0.01%; no homozygotes.

Submissions (4):

GeneDx
Classification: Uncertain significance. Last evaluated: 2022-06-07. Review status: criteria provided, single submitter. Criteria: GeneDx Variant Classification Process June 2021. Collection method: clinical testing. Allele origin: germline. Affected: yes.
Comment: In silico analysis supports that this missense variant does not alter protein structure/function; Has not been previously published as pathogenic or benign to our knowledge

Blueprint Genetics
Classification: Uncertain significance. Last evaluated: 2020-10-13. Review status: criteria provided, single submitter. Criteria: ACMG Guidelines, 2015. Collection method: clinical testing. Allele origin: germline.

Laboratory for Molecular Medicine, Mass General Brigham Personalized Medicine
Classification: Uncertain significance. Last evaluated: 2016-10-25. Review status: criteria provided, single submitter. Criteria: LMM Criteria. Collection method: clinical testing. Allele origin: germline. Observed: 2 variant alleles.
Comment: The p.Ser472Thr variant in MYO15A has now been identified by our laboratory in t wo individuals with hearing loss, but a variant affecting the second copy of the MYO15A gene was not identified in either of them. It has not been identified in large population studies. Computational prediction tools and conservation analy sis do not provide strong support for or against an impact to the protein. In su mmary, the clinical significance of the p.Ser472Thr variant is uncertain.

Eurofins Ntd Llc (ga)
Classification: Uncertain significance. Last evaluated: 2015-08-10. Review status: criteria provided, single submitter. Criteria: EGL Classification Definitions 2015. Collection method: clinical testing. Allele origin: germline. Observed: 1 variant allele, 1 heterozygote.